The following is an entry in ClinVar:

ClinVar aggregate classification (germline): Conflicting classifications of pathogenicity. Review status: criteria provided, conflicting classifications (1 of 4 stars). 4 submissions from 2 submitters: Uncertain significance (1); Benign (2); Likely benign (1). Last evaluated 2022-11-01.

Conditions:
Ehlers-Danlos syndrome, arthrochalasia type. Also called: ARTHROCHALASIS MULTIPLEX CONGENITA; EDS VII, MUTANT PROCOLLAGEN TYPE; EDS VIIA; Ehlers-Danlos syndrome, arthrochalasis type; Ehlers-Danlos syndrome, arthrochalasia type, 1. Identifiers: Orphanet 1899, Orphanet 99875, Orphanet 99876, MedGen C4551623, MONDO:0007525, OMIM 130060.
Infantile cortical hyperostosis. Also called: Hyperostosis, Cortical, Congenital; Caffey Disease; P1PK BLOOD GROUP SYSTEM, P(2) PHENOTYPE. Identifiers: Orphanet 1310, MedGen C0020497, MONDO:0007244, OMIM 114000.
Osteogenesis imperfecta (OI). Identifiers: Orphanet 666, MedGen C0029434, MeSH D010013, MONDO:0019019.

Allele frequency attached by ClinVar (database versions not stated): gnomAD 0.00150 and 0.00153; TOPMed 0.00155; 1000 Genomes Project 0.00140; 1000 Genomes Project 30x 0.00141.
gnomAD v4.1: 489 of 299,800 alleles (0.16%); highest among the groups gnomAD compares: Non-Finnish European, 0.24%; no homozygotes.

Submissions (4):

CeGaT Center for Human Genetics Tuebingen
Classification: Benign. Last evaluated: 2022-11-01. Review status: criteria provided, single submitter. Criteria: CeGaT Center For Human Genetics Tuebingen Variant Classification Criteria Version 2. Collection method: clinical testing. Allele origin: germline. Affected: yes. Observed: 1 variant allele.
Comment: COL1A1: BS1, BS2

Illumina Laboratory Services, Illumina
Classification: Benign for Ehlers-Danlos syndrome, arthrochalasia type. Last evaluated: 2018-01-13. Review status: criteria provided, single submitter. Criteria: ICSL Variant Classification Criteria 13 December 2019. Collection method: clinical testing. Allele origin: germline.
Comment: This variant was observed in the ICSL laboratory as part of a predisposition screen in an ostensibly healthy population. It had not been previously curated by ICSL or reported in the Human Gene Mutation Database (HGMD: prior to June 1st, 2018), and was therefore a candidate for classification through an automated scoring system. Utilizing variant allele frequency, disease prevalence and penetrance estimates, and inheritance mode, an automated score was calculated to assess if this variant is too frequent to cause the disease. Based on the score and internal cut-off values, a variant classified as benign is not then subjected to further curation. The score for this variant resulted in a classification of benign for this disease.

Illumina Laboratory Services, Illumina
Classification: Likely benign for Osteogenesis imperfecta. Last evaluated: 2018-01-13. Review status: criteria provided, single submitter. Criteria: ICSL Variant Classification Criteria 13 December 2019. Collection method: clinical testing. Allele origin: germline.
Comment: This variant was observed in the ICSL laboratory as part of a predisposition screen in an ostensibly healthy population. It had not been previously curated by ICSL or reported in the Human Gene Mutation Database (HGMD: prior to June 1st, 2018), and was therefore a candidate for classification through an automated scoring system. Utilizing variant allele frequency, disease prevalence and penetrance estimates, and inheritance mode, an automated score was calculated to assess if this variant is too frequent to cause the disease. Based on the score and internal cut-off values, a variant classified as likely benign is not then subjected to further curation. The score for this variant resulted in a classification of likely benign for this disease.

Illumina Laboratory Services, Illumina
Classification: Uncertain significance for Infantile cortical hyperostosis. Last evaluated: 2018-01-13. Review status: criteria provided, single submitter. Criteria: ICSL Variant Classification Criteria 13 December 2019. Collection method: clinical testing. Allele origin: germline.

NM_000088.4(COL1A1):c.*378C>G

Gene: COL1A1 (collagen type I alpha 1 chain; minus strand). Cytogenetic location: 17q21.33.
Variant type: single nucleotide variant.
Coding change: c.*378C>G on transcript NM_000088.4 (MANE Select); 378 bases downstream of the stop codon, C replaced by G.
Molecular consequence: 3 prime UTR variant.
Genome position (GRCh38, 1-based): chr17:50,185,124, G>C on the plus strand (C>G on the coding strand, the complement: COL1A1 is on the minus strand). VCF-style: chr17-50185124-G-C. GRCh37 (hg19) VCF-style: chr17-48262485-G-C.
Identifiers: ClinVar variation 324080 (VCV000324080.34), dbSNP rs148131473, ClinGen allele CA10640055.